The following is an entry in ClinVar:

ClinVar aggregate classification (germline): Uncertain significance (1 of 4 stars; one submission).

Submission:

Labcorp Genetics (formerly Invitae), Labcorp
Classification: Uncertain significance. Last evaluated: 2022-09-20. Review status: criteria provided, single submitter. Criteria: Invitae Variant Classification Sherloc (09022015). Collection method: clinical testing. Allele origin: germline.
Comment: In summary, the available evidence is currently insufficient to determine the role of this variant in disease. Therefore, it has been classified as a Variant of Uncertain Significance. Advanced modeling of protein sequence and biophysical properties (such as structural, functional, and spatial information, amino acid conservation, physicochemical variation, residue mobility, and thermodynamic stability) performed at Invitae indicates that this missense variant is not expected to disrupt STAT4 protein function. This variant has not been reported in the literature in individuals affected with STAT4-related conditions. This variant is not present in population databases (gnomAD no frequency). This sequence change replaces arginine, which is basic and polar, with glycine, which is neutral and non-polar, at codon 303 of the STAT4 protein (p.Arg303Gly).

NM_003151.4(STAT4):c.907A>G (p.Arg303Gly)

Gene: STAT4 (signal transducer and activator of transcription 4; minus strand). Cytogenetic location: 2q32.2.
Variant type: single nucleotide variant.
Coding change: c.907A>G on transcript NM_003151.4 (MANE Select); coding-DNA position 907, A replaced by G.
Protein change: p.Arg303Gly; replaces arginine 303 with glycine.
Molecular consequence: missense variant.
Genome position (GRCh38, 1-based): chr2:191,062,796, T>C on the plus strand (A>G on the coding strand, the complement: STAT4 is on the minus strand). VCF-style: chr2-191062796-T-C. GRCh37 (hg19) VCF-style: chr2-191927522-T-C.
Other names: c.907A>G, p.Arg303Gly (NM_001243835.2); short protein forms R303G.
Identifiers: ClinVar variation 2001808 (VCV002001808.4), dbSNP rs2470767736, ClinGen allele CA349915704.